The following continues an entry in ClinVar:

NM_000350.3(ABCA4):c.4253+43G>A

Gene: ABCA4. ClinVar aggregate classification (germline): Pathogenic. Pathogenic (1).

Submissions 8 to 18 of 18:

Women's Health and Genetics/Laboratory Corporation of America, LabCorp
Classification: Pathogenic for Stargardt disease. Last evaluated: 2026-01-26. Review status: criteria provided, single submitter. Criteria: LabCorp Variant Classification Summary - May 2015. Collection method: clinical testing. Allele origin: germline. Not counted in ClinVar's aggregate classification.
Comment: Variant summary: ABCA4 c.4253+43G>A is located at a position not widely known to affect splicing. Consensus agreement among computation tools predict no significant impact on normal splicing. At least one publication reports experimental evidence that this variant affects mRNA splicing, resulting in skipping of exon 28 (e.g. Sangermano_2019, Suarez-Herrera_2024). The variant allele was found at a frequency of 0.0047 in 250468 control chromosomes in the gnomAD database, including 5 homozygotes. The observed variant frequency exceeds the estimated maximal expected allele frequency for disease-causing variants in ABCA4. c.4253+43G>A has been observed in multiple compound heterozygous individuals affected with Stargardt Disease, though individuals with this variant were reported to have a milder phenotype and later onset compared to individuals with classic Stargardt disease (e.g. Zernant_2018, Runhart_2019, Nassisi_2019). These data indicate that the variant is very likely to be associated with disease. The following publications have been ascertained in the context of this evaluation (PMID: 31614660, 31618761, 30643219, 38466963, 29848554). ClinVar contains an entry for this variant (Variation ID: 99265). Based on the evidence outlined above, the variant was classified as pathogenic.

3billion
Classification: Uncertain significance for ABCA4-related disorder. Last evaluated: 2025-11-10. Review status: criteria provided, single submitter. Criteria: ACMG Guidelines, 2015. Collection method: clinical testing. Allele origin: germline. Affected: yes. Not counted in ClinVar's aggregate classification.
Comment: The variant is observed in the gnomAD v4.1.0 dataset (total allele frequency: 0.536%). Predicted Consequence/Location: Intron variant In silico tools do not predict the variant to alter splicing and produce an abnormal transcript [SpliceAI: 0.01 (<=0.1, moderate evidence for non-spliceogenicity)]. However, functional analysis for splicing alteration may yield varying results. The variant has been reported at least twice as pathogenic without evidence for the classification (ClinVar ID: VCV000099265). Therefore, this variant is classified as VUS according to the recommendation of ACMG/AMP guideline.

CeGaT Center for Human Genetics Tuebingen
Classification: Pathogenic. Last evaluated: 2025-10-01. Review status: criteria provided, single submitter. Criteria: CeGaT Center For Human Genetics Tuebingen Variant Classification Criteria Version 2. Collection method: clinical testing. Allele origin: germline. Affected: yes. Observed: 11 variant alleles. Not counted in ClinVar's aggregate classification.
Comment: ABCA4: PM3:Very Strong, PM2:Supporting, PS3:Supporting

Variantyx, Inc.
Classification: Likely pathogenic for Severe early-childhood-onset retinal dystrophy. Last evaluated: 2025-03-21. Review status: criteria provided, single submitter. Criteria: Variantyx Assertion Criteria 2022. Collection method: clinical testing. Allele origin: germline. Affected: yes. Not counted in ClinVar's aggregate classification.
Comment: This is an intronic variant in the ABCA4 gene (OMIM: 601691). Pathogenic variants in this gene have been associated with autosomal recessive Stargardt disease 1. This variant has been identified in the homozygous or compound heterozygous state in at least 11 individuals from the published literature (PMID: 31614660, 30643219) (PM3_Very_Strong). Functional studies have shown that this variant alters ABCA4 protein function (PMID: 30643219) (PS3_Moderate). This variant has a 0.5842% maximum allele frequency in non-founder control populations. Based on the current evidence, this variant is classified as likely pathogenic for autosomal recessive Stargardt disease 1.

Blueprint Genetics
Classification: Pathogenic for ABCA4-related disorders. Last evaluated: 2024-11-26. Review status: criteria provided, single submitter. Criteria: ACMG Guidelines, 2015. Collection method: clinical testing. Allele origin: germline. Affected: yes. Observed: 5 variant alleles. Not counted in ClinVar's aggregate classification.

Department of Pathology and Laboratory Medicine, Sinai Health System
Classification: Likely pathogenic for Cone-rod dystrophy 3; Severe early-childhood-onset retinal dystrophy; Retinitis pigmentosa 19. Last evaluated: 2023-05-01. Review status: criteria provided, single submitter. Criteria: ACMG Guidelines, 2015. Collection method: research. Allele origin: germline. Not counted in ClinVar's aggregate classification.

Institute of Human Genetics, Univ. Regensburg, Univ. Regensburg
Classification: Likely pathogenic for Retinal dystrophy. Last evaluated: 2023-01-01. Review status: criteria provided, single submitter. Criteria: ACMG Guidelines, 2015. Collection method: clinical testing. Allele origin: germline. Affected: yes. Not counted in ClinVar's aggregate classification.

Institute of Medical Molecular Genetics, University of Zurich
Classification: Likely pathogenic for Severe early-childhood-onset retinal dystrophy. Last evaluated: 2021-01-30. Review status: criteria provided, single submitter. Criteria: ACMG Guidelines, 2015. Collection method: clinical testing. Allele origin: unknown. Affected: yes. Not counted in ClinVar's aggregate classification.

Centre for Mendelian Genomics, University Medical Centre Ljubljana
Classification: Uncertain significance for Age related macular degeneration 2. Last evaluated: 2019-08-21. Review status: criteria provided, single submitter. Criteria: ACMG Guidelines, 2015. Collection method: clinical testing. Allele origin: unknown. Affected: yes. Not counted in ClinVar's aggregate classification.
Comment: This variant was classified as: Uncertain significance. The available evidence favors the pathogenic nature of this variant, however the currently available data is insufficient to conclusively support its pathogenic nature. Thus this variant is classified as Uncertain significance - favor pathogenic. The following ACMG criteria were applied in classifying this variant: PS3.

Ophthalmic Genetics Group, Institute of Molecular and Clinical Ophthalmology Basel
Classification: Likely pathogenic for Severe early-childhood-onset retinal dystrophy. Last evaluated: 2021-01-26. Review status: no assertion criteria provided. Collection method: clinical testing. Allele origin: inherited. Inheritance: Autosomal recessive inheritance. Affected: yes. Observed: 1 variant allele, 1 compound heterozygote. Not counted in ClinVar's aggregate classification.
Comment: c.4253+43G>A has been found to be associated with autosomal recessive Stargardt disease (STGD1). Its presence explained 6-14% of monoallelic ABCA4 carriers in three separate STGD1 cohorts and was significantly enriched in monoallelic ABCA4 carriers (OR=12.87). Penetrance was estimated to be ~40% and the variant was described as an â€œhypomorphâ€. Its effect was proven experimentally, showing that the variant results in partial exon skipping through the disruption of putative splice silencers. The phenotype described is milder than classical Stargardt disease with late-onset and foveal sparing.

Retina International
No classification provided. Review status: no classification provided. Collection method: not provided. Allele origin: not provided. Not counted in ClinVar's aggregate classification.

Literature cited by the submitters: PubMed 30643219 (cited by 4 submitters); PubMed 31618761 (cited by 5 submitters); PubMed 35353811 (cited by Dasa); PubMed 33546218 (cited by Dasa); PubMed 32307445 (cited by 3 submitters); PubMed 35119454 (cited by Dasa and Institute of Human Genetics, Univ. Regensburg, Univ. Regensburg); PubMed 31614660 (cited by 4 submitters); PubMed 29848554 (cited by 4 submitters); PubMed 38466963 (cited by Women's Health and Genetics/Laboratory Corporation of America, LabCorp); PubMed 29925512 (cited by Institute of Human Genetics, Univ. Regensburg, Univ. Regensburg); PubMed 32619608 (cited by Institute of Human Genetics, Univ. Regensburg, Univ. Regensburg); PubMed 32531858 (cited by Institute of Human Genetics, Univ. Regensburg, Univ. Regensburg); PubMed 31963381 (cited by Institute of Human Genetics, Univ. Regensburg, Univ. Regensburg); PubMed 34440443 (cited by Institute of Human Genetics, Univ. Regensburg, Univ. Regensburg); PubMed 35055178 (cited by Institute of Human Genetics, Univ. Regensburg, Univ. Regensburg); PubMed 35456422 (cited by Institute of Human Genetics, Univ. Regensburg, Univ. Regensburg).